The following is an entry in ClinVar:

ClinVar aggregate classification (germline): Uncertain significance (1 of 4 stars; one submission).

Conditions:
Fanconi anemia (FA). Also called: Fanconi's anemia. Identifiers: Orphanet 84, MedGen C0015625, MeSH D005199, MONDO:0019391.

Submission:

Labcorp Genetics (formerly Invitae), Labcorp
Classification: Uncertain significance for Fanconi anemia. Last evaluated: 2022-07-08. Review status: criteria provided, single submitter. Criteria: Invitae Variant Classification Sherloc (09022015). Collection method: clinical testing. Allele origin: germline.
Comment: This sequence change replaces histidine, which is basic and polar, with glutamine, which is neutral and polar, at codon 839 of the SLX4 protein (p.His839Gln). This variant is present in population databases (no rsID available, gnomAD 0.003%). This variant has not been reported in the literature in individuals affected with SLX4-related conditions. Algorithms developed to predict the effect of missense changes on protein structure and function output the following: SIFT: "Tolerated"; PolyPhen-2: "Benign"; Align-GVGD: "Class C0". The glutamine amino acid residue is found in multiple mammalian species, which suggests that this missense change does not adversely affect protein function. In summary, the available evidence is currently insufficient to determine the role of this variant in disease. Therefore, it has been classified as a Variant of Uncertain Significance.

NM_032444.4(SLX4):c.2517C>G (p.His839Gln)

Gene: SLX4 (SLX4 structure-specific endonuclease subunit; minus strand). Cytogenetic location: 16p13.3.
Variant type: single nucleotide variant.
Coding change: c.2517C>G on transcript NM_032444.4 (MANE Select); coding-DNA position 2517, C replaced by G.
Protein change: p.His839Gln; replaces histidine 839 with glutamine.
Molecular consequence: missense variant.
Genome position (GRCh38, 1-based): chr16:3,591,121, G>C on the plus strand (C>G on the coding strand, the complement: SLX4 is on the minus strand). VCF-style: chr16-3591121-G-C. GRCh37 (hg19) VCF-style: chr16-3641122-G-C.
Other names: short protein forms H839Q.
Identifiers: ClinVar variation 2142790 (VCV002142790.4), dbSNP rs766929821, ClinGen allele CA394523638.